The following is an entry in ClinVar:

ClinVar aggregate classification (germline): Benign. Review status: criteria provided, multiple submitters, no conflicts (2 of 4 stars). 4 submissions from 3 submitters: Benign (4). Last evaluated 2021-07-30.

Conditions:
Hereditary diffuse leukoencephalopathy with spheroids. Also called: LEUKOENCEPHALOPATHY, ADULT-ONSET, WITH AXONAL SPHEROIDS AND PIGMENTED GLIA. Identifiers: Orphanet 313808, MedGen C3711381, MONDO:0030796.
Brain abnormalities, neurodegeneration, and dysosteosclerosis. Identifiers: MedGen C5193117, MONDO:0032772, OMIM 618476.

Allele frequency attached by ClinVar (database versions not stated): gnomAD exomes 0.76943 and 0.76396; 1000 Genomes Project 0.79593; TOPMed 0.82092; ESP Exome Variant Server 0.49592; ExAC 0.77449; 1000 Genomes Project 30x 0.80122; gnomAD 0.82461 and 0.81754.
gnomAD v4.1: 1,234,694 of 1,604,874 alleles (77%); highest among the groups gnomAD compares: African/African-American, 95%; 477,231 homozygotes.

Submissions (4):

Genome-Nilou Lab
Classification: Benign for Brain abnormalities, neurodegeneration, and dysosteosclerosis. Last evaluated: 2021-07-30. Review status: criteria provided, single submitter. Criteria: ACMG Guidelines, 2015. Collection method: clinical testing. Allele origin: germline. Affected: no.

Genome-Nilou Lab
Classification: Benign for Leukoencephalopathy, diffuse hereditary, with spheroids 1. Last evaluated: 2021-07-30. Review status: criteria provided, single submitter. Criteria: ACMG Guidelines, 2015. Collection method: clinical testing. Allele origin: germline. Affected: no.

GeneDx
Classification: Benign. Last evaluated: 2021-05-10. Review status: criteria provided, single submitter. Criteria: GeneDx Variant Classification Process June 2021. Collection method: clinical testing. Allele origin: germline. Affected: yes.

Illumina Laboratory Services, Illumina
Classification: Benign for Leukoencephalopathy, diffuse hereditary, with spheroids 1. Last evaluated: 2018-01-13. Review status: criteria provided, single submitter. Criteria: ICSL Variant Classification Criteria 13 December 2019. Collection method: clinical testing. Allele origin: germline.
Comment: This variant was observed in the ICSL laboratory as part of a predisposition screen in an ostensibly healthy population. It had not been previously curated by ICSL or reported in the Human Gene Mutation Database (HGMD: prior to June 1st, 2018), and was therefore a candidate for classification through an automated scoring system. Utilizing variant allele frequency, disease prevalence and penetrance estimates, and inheritance mode, an automated score was calculated to assess if this variant is too frequent to cause the disease. Based on the score and internal cut-off values, a variant classified as benign is not then subjected to further curation. The score for this variant resulted in a classification of benign for this disease.

NM_001288705.3(CSF1R):c.*35C>T

Gene: CSF1R (colony stimulating factor 1 receptor; minus strand). Cytogenetic location: 5q32.
Variant type: single nucleotide variant.
Coding change: c.*35C>T on transcript NM_001288705.3 (MANE Select); 35 bases downstream of the stop codon, C replaced by T.
Molecular consequence: 3 prime UTR variant. On other transcripts: non-coding transcript variant (2).
Genome position (GRCh38, 1-based): chr5:150,054,034, G>A on the plus strand (C>T on the coding strand, the complement: CSF1R is on the minus strand). VCF-style: chr5-150054034-G-A. GRCh37 (hg19) VCF-style: chr5-149433597-G-A.
Other names: c.*35C>T (NM_001349736.2, NM_001375320.1, NM_001375321.1 and 1 more transcripts).
Identifiers: ClinVar variation 352121 (VCV000352121.11), dbSNP rs2066933, ClinGen allele CA3506276.